The following is an entry in ClinVar:

NM_001134793.2(HYLS1):c.-26+2594C>T

Genes: HYLS1 (HYLS1 centriolar and ciliogenesis associated; plus strand), PUS3 (pseudouridine synthase 3; minus strand). Cytogenetic location: 11q24.2.
Variant type: single nucleotide variant.
Coding change: c.-26+2594C>T on transcript NM_001134793.2 (MANE Select); 2594 bases into the intron after 26 bases upstream of the start codon, C replaced by T.
Molecular consequence: intron variant. On other transcripts: missense variant (2).
Genome position (GRCh38, 1-based): chr11:125,894,066, C>T. VCF-style: chr11-125894066-C-T. GRCh37 (hg19) VCF-style: chr11-125763961-C-T.
Other names: c.541G>A, p.Gly181Arg (NM_001271985.2); c.1165G>A, p.Gly389Arg (NM_031307.4); c.-81+2594C>T (NM_145014.3); c.-23+2594C>T (NM_001424364.1); c.-25-5278C>T (NM_001377269.1); c.-22-5281C>T (NM_001377270.1); short protein forms G181R, G389R.
Identifiers: ClinVar variation 3381472 (VCV003381472.2).

ClinVar aggregate classification (germline): Uncertain significance (1 of 4 stars; one submission).

Submission:

GeneDx
Classification: Uncertain significance. Last evaluated: 2025-12-17. Review status: criteria provided, single submitter. Criteria: GeneDx Variant Classification Process June 2021. Collection method: clinical testing. Allele origin: germline.
Comment: Not observed at significant frequency in large population cohorts (gnomAD); In silico analysis supports that this missense variant does not alter protein structure/function; Has not been previously published as pathogenic or benign to our knowledge